The following is an entry in ClinVar:

ClinVar aggregate classification (germline): Uncertain significance (1 of 4 stars; one submission).

Conditions:
Autosomal dominant nonsyndromic hearing loss 22. Also called: Autosomal dominant nonsyndromic deafness 22; DFNA 22. Identifiers: Orphanet 228012, MedGen C2931767, MONDO:0011660, OMIM 606346.

Submission:

Precision Medicine Center, Zhengzhou University
Classification: Uncertain significance for Autosomal dominant nonsyndromic hearing loss 22. Last evaluated: 2006-06-30. Review status: criteria provided, single submitter. Criteria: ClinGen HL ACMG Specifications v1. Collection method: clinical testing. Allele origin: de novo. Affected: yes.
Comment: PS2_moderate+PM2+PP3:The MYO6 c.293A>G variant is absent or extremely rare in population databases, including gnomAD, supporting its rarity in the general population (PM2). Multiple in silico prediction algorithms consistently predict that this missense variant has a deleterious effect on protein function (PP3). Although the variant is rare and supported by computational predictions, there is currently insufficient evidence from functional studies, segregation analyses, or multiple independent affected individuals to establish pathogenicity. Based on the ACMG/AMP guidelines, this variant meets the criteria PS2_Moderate, PM2, and PP3 and is therefore classified as a Variant of Uncertain Significance (VUS).

NM_004999.4(MYO6):c.293A>G (p.Asn98Ser)

Gene: MYO6 (myosin VI; plus strand). Cytogenetic location: 6q14.1.
Variant type: single nucleotide variant.
Coding change: c.293A>G on transcript NM_004999.4 (MANE Select); coding-DNA position 293, A replaced by G.
Protein change: p.Asn98Ser; replaces asparagine 98 with serine.
Molecular consequence: missense variant. On other transcripts: non-coding transcript variant (2).
Genome position (GRCh38, 1-based): chr6:75,830,447, A>G. VCF-style: chr6-75830447-A-G. GRCh37 (hg19) VCF-style: chr6-76540164-A-G.
Other names: c.293A>G, p.Asn98Ser (NM_001300899.2, NM_001368136.1, NM_001368137.1 and 5 more transcripts); short protein forms N98S.
Identifiers: ClinVar variation 4857375 (VCV004857375.1).